The following is an entry in ClinVar:

NM_022124.6(CDH23):c.9525dup (p.Glu3176Ter)

Gene: CDH23 (cadherin related 23; plus strand). Cytogenetic location: 10q22.1.
Variant type: Duplication.
Coding change: c.9525dup on transcript NM_022124.6 (MANE Select); coding-DNA position 9525, one base duplicated (T; older notation c.9525dupT).
Protein change: p.Glu3176Ter; replaces glutamic acid 3176 with a stop codon.
Molecular consequence: nonsense.
Genome position (GRCh38, 1-based): chr10:71,812,782, T duplicated. VCF-style (leftmost placement, unchanged base first): chr10-71812781-G-GT. GRCh37 (hg19) VCF-style: chr10-73572538-G-GT.
Other names: c.2805dup, p.Glu936Ter (NM_001171933.1, NM_001171934.1); c.216dup, p.Glu73Ter (NM_001171935.1, NM_001171936.1); short protein forms E73*, E3176*, E936*.
Identifiers: ClinVar variation 838788 (VCV000838788.7), dbSNP rs1841984906, ClinGen allele CA916083146.
Genomic context (GRCh38, chr10:71,812,781, plus strand): 5'-TGTGTGTGGGGTCTGCCTCTGCTCCAGCTAACATCCCCTCTCCCCAGGGAACTTTTGGGC[G>GT]TGAGCCAGCAGCTGTCAAGCCTGATGATGACCGATACCTGCGGGCTGCCATCCAGGAGTA-3'

ClinVar aggregate classification (germline): Pathogenic (1 of 4 stars; one submission).

Submission:

Labcorp Genetics (formerly Invitae), Labcorp
Classification: Pathogenic. Last evaluated: 2023-02-09. Review status: criteria provided, single submitter. Criteria: Invitae Variant Classification Sherloc (09022015). Collection method: clinical testing. Allele origin: germline.
Comment: This sequence change creates a premature translational stop signal (p.Glu3176*) in the CDH23 gene. It is expected to result in an absent or disrupted protein product. Loss-of-function variants in CDH23 are known to be pathogenic (PMID: 11138009, 21940737). This variant is not present in population databases (gnomAD no frequency). This variant has not been reported in the literature in individuals affected with CDH23-related conditions. ClinVar contains an entry for this variant (Variation ID: 838788). For these reasons, this variant has been classified as Pathogenic.

Literature cited by the submitters: PubMed 11138009; PubMed 21940737.